The following is an entry in ClinVar:

ClinVar aggregate classification (germline): Uncertain significance (1 of 4 stars; one submission).

Conditions:
Hereditary spastic paraplegia 73. Also called: Spastic paraplegia 73, autosomal dominant. Identifiers: Orphanet 444099, MedGen C5568981, MONDO:0014568, OMIM 616282.

Allele frequency attached by ClinVar (database versions not stated): gnomAD exomes below 0.00001 and 0.00002; TOPMed below 0.00001; ExAC 0.00001.

Submission:

Labcorp Genetics (formerly Invitae), Labcorp
Classification: Uncertain significance for Hereditary spastic paraplegia 73. Last evaluated: 2021-05-31. Review status: criteria provided, single submitter. Criteria: Invitae Variant Classification Sherloc (09022015). Collection method: clinical testing. Allele origin: germline.
Comment: In summary, the available evidence is currently insufficient to determine the role of this variant in disease. Therefore, it has been classified as a Variant of Uncertain Significance. Algorithms developed to predict the effect of missense changes on protein structure and function are either unavailable or do not agree on the potential impact of this missense change (SIFT: "Tolerated"; PolyPhen-2: "Possibly Damaging"; Align-GVGD: "Class C0"). This variant has not been reported in the literature in individuals with CPT1C-related conditions. This variant is present in population databases (rs767617636, ExAC 0.001%). This sequence change replaces serine with phenylalanine at codon 527 of the CPT1C protein (p.Ser527Phe). The serine residue is weakly conserved and there is a large physicochemical difference between serine and phenylalanine.

NM_001199753.2(CPT1C):c.1613C>T (p.Ser538Phe)

Gene: CPT1C (carnitine palmitoyltransferase 1C; plus strand). Cytogenetic location: 19q13.33.
Variant type: single nucleotide variant.
Coding change: c.1613C>T on transcript NM_001199753.2 (MANE Select); coding-DNA position 1613, C replaced by T.
Protein change: p.Ser538Phe; replaces serine 538 with phenylalanine.
Molecular consequence: missense variant. On other transcripts: non-coding transcript variant (1).
Genome position (GRCh38, 1-based): chr19:49,710,366, C>T. VCF-style: chr19-49710366-C-T. GRCh37 (hg19) VCF-style: chr19-50213623-C-T.
Other names: c.1580C>T, p.Ser527Phe (NM_001136052.3, NM_001378485.1, NM_001378487.1); c.1613C>T, p.Ser538Phe (NM_001199752.3, NM_001378483.1, NM_001378484.1 and 3 more transcripts); c.1679C>T, p.Ser560Phe (NM_001378482.1); short protein forms S538F, S527F, S560F.
Identifiers: ClinVar variation 1394267 (VCV001394267.8), dbSNP rs767617636, ClinGen allele CA9582244.
Genomic context (GRCh38, chr19:49,710,366, plus strand): 5'-TCCTCCTCTGGCAGATCCACTCCTCCATCTCTCTAGCCCTGAGGGGAGCCAAGATCTTGT[C>T]TGAAAATGTCGACTGCCATGTCGTTCCATTCTCCCTATTTGGCAAGAGCTTCATCCGACG-3'
Protein context (NP_001186682.1, residues 528-548): SLALRGAKIL[Ser538Phe]ENVDCHVVPF